The following is an entry in ClinVar:

NM_000088.4(COL1A1):c.2668-13T>A

Gene: COL1A1 (collagen type I alpha 1 chain; minus strand). Cytogenetic location: 17q21.33.
Variant type: single nucleotide variant.
Coding change: c.2668-13T>A on transcript NM_000088.4 (MANE Select); 13 bases into the intron before coding-DNA position 2668, T replaced by A.
Molecular consequence: intron variant.
Genome position (GRCh38, 1-based): chr17:50,189,551, A>T on the plus strand (T>A on the coding strand, the complement: COL1A1 is on the minus strand). VCF-style: chr17-50189551-A-T. GRCh37 (hg19) VCF-style: chr17-48266912-A-T.
Identifiers: ClinVar variation 5000375 (VCV005000375.1).
Genomic context (GRCh38, chr17:50,189,551, plus strand): 5'-GCCTTCTTTGCCAGCAGGACCAGGAGGGCCAGGGGGTCCAGCATTTCCCTGGATGAGGAT[A>T]GGAGGGGCTGTCAGACTCCAGGGGGCTCTGGTGCATCATTGGGTCCTCAGTCAGCCCCAC-3'

ClinVar aggregate classification (germline): Likely benign (1 of 4 stars; one submission).

Conditions:
COL1A1-related disorder. Also called: COL1A1- related disease; COL1A1-related condition.

Submission:

PreventionGenetics, part of Exact Sciences
Classification: Likely benign for COL1A1-related condition. Last evaluated: 2024-12-07. Review status: criteria provided, single submitter. Criteria: ACMG Guidelines, 2015. Collection method: clinical testing. Allele origin: germline.
Comment: This variant is classified as likely benign based on ACMG/AMP sequence variant interpretation guidelines (Richards et al. 2015 PMID: 25741868, with internal and published modifications).